The following is an entry in ClinVar:

NM_000070.3(CAPN3):c.2176G>T (p.Ala726Ser)

Gene: CAPN3 (calpain 3; plus strand). Cytogenetic location: 15q15.1.
Variant type: single nucleotide variant.
Coding change: c.2176G>T on transcript NM_000070.3 (MANE Select); coding-DNA position 2176, G replaced by T.
Protein change: p.Ala726Ser; replaces alanine 726 with serine.
Molecular consequence: missense variant.
Genome position (GRCh38, 1-based): chr15:42,410,488, G>T. VCF-style: chr15-42410488-G-T. GRCh37 (hg19) VCF-style: chr15-42702686-G-T.
Other names: c.2158G>T, p.Ala720Ser (NM_024344.2); c.1900G>T, p.Ala634Ser (NM_173087.2); c.640G>T, p.Ala214Ser (NM_173088.2); c.181G>T, p.Ala61Ser (NM_173089.2, NM_173090.2); short protein forms A214S, A61S, A634S, A720S, A726S.
Identifiers: ClinVar variation 3375333 (VCV003375333.1).

ClinVar aggregate classification (germline): Uncertain significance (1 of 4 stars; one submission).

Submission:

Women's Health and Genetics/Laboratory Corporation of America, LabCorp
Classification: Uncertain significance. Last evaluated: 2024-09-20. Review status: criteria provided, single submitter. Criteria: LabCorp Variant Classification Summary - May 2015. Collection method: clinical testing. Allele origin: germline.
Comment: Variant summary: CAPN3 c.2176G>T (p.Ala726Ser) results in a conservative amino acid change located in the EF-hand domain (IPR002048) of the encoded protein sequence. Five of five in-silico tools predict a benign effect of the variant on protein function. The variant was absent in 251468 control chromosomes (gnomAD). The available data on variant occurrences in the general population are insufficient to allow any conclusion about variant significance. c.2176G>T has been reported in the literature in individuals affected with limb-girdle muscle weakness (examples: Johnson_2017, Topf_2020). These report(s) do not provide unequivocal conclusions about association of the variant with Limb-Girdle Muscular Dystrophy, Autosomal Recessive. To our knowledge, no experimental evidence demonstrating an impact on protein function has been reported. The following publications have been ascertained in the context of this evaluation (PMID: 29149851, 32528171). No submitters have cited clinical-significance assessments for this variant to ClinVar. Based on the evidence outlined above, the variant was classified as uncertain significance.

Literature cited by the submitters: PubMed 29149851; PubMed 32528171.